The following is an entry in ClinVar:

NM_170707.4(LMNA):c.*747G>A

Gene: LMNA (lamin A/C; plus strand). Cytogenetic location: 1q22.
Variant type: single nucleotide variant.
Coding change: c.*747G>A on transcript NM_170707.4 (MANE Select); 747 bases downstream of the stop codon, G replaced by A.
Molecular consequence: 3 prime UTR variant.
Genome position (GRCh38, 1-based): chr1:156,139,853, G>A. VCF-style: chr1-156139853-G-A. GRCh37 (hg19) VCF-style: chr1-156109644-G-A.
Other names: c.*14G>A (NM_001257374.3); c.*747G>A (NM_001282626.2, NM_170708.4).
Identifiers: ClinVar variation 192313 (VCV000192313.4), dbSNP rs189656652, ClinGen allele CA014850.

ClinVar aggregate classification (germline): Benign/Likely benign. Review status: criteria provided, multiple submitters, no conflicts (2 of 4 stars). 3 submissions from 3 submitters: Benign (2); Likely benign (1). Last evaluated 2024-11-13.

Allele frequency attached by ClinVar (database versions not stated): ExAC 0.00190; 1000 Genomes Project 0.00519; 1000 Genomes Project 30x 0.00531; gnomAD 0.00574 and 0.00611; TOPMed 0.00625.
gnomAD v4.1: 1,582 of 1,507,754 alleles (0.1%); highest among the groups gnomAD compares: African/African-American, 1.9%; 14 homozygotes.

Submissions (3):

Blueprint Genetics
Classification: Likely benign. Last evaluated: 2024-11-13. Review status: criteria provided, single submitter. Criteria: ACMG Guidelines, 2015. Collection method: clinical testing. Allele origin: germline.

GeneDx
Classification: Benign. Last evaluated: 2014-05-01. Review status: criteria provided, single submitter. Criteria: GeneDx Variant Classification (06012015). Collection method: clinical testing. Allele origin: germline. Affected: yes.
Comment: This variant is considered likely benign or benign based on one or more of the following criteria: it is a conservative change, it occurs at a poorly conserved position in the protein, it is predicted to be benign by multiple in silico algorithms, and/or has population frequency not consistent with disease.

Breakthrough Genomics
Classification: Benign. Review status: criteria provided, single submitter. Criteria: ACMG Guidelines, 2015. Collection method: not provided. Allele origin: germline. Inheritance: Autosomal recessive inheritance. Affected: yes.